The following is an entry in ClinVar:

ClinVar aggregate classification (germline): Conflicting classifications of pathogenicity. Review status: criteria provided, conflicting classifications (1 of 4 stars). 10 submissions from 8 submitters: Uncertain significance (6); Benign (1); Likely benign (3). Last evaluated 2025-12-08.

Conditions:
Cardiomyopathy (CMYO). Also called: Cardiomyopathies. Identifiers: Orphanet 167848, MedGen C0878544, MONDO:0004994, HP:0001638. Inheritance: Various modes of inheritance.
Cardiovascular phenotype. Identifiers: MedGen CN230736.
Woolly hair-skin fragility syndrome (WHSF). Identifiers: Orphanet 293165, MedGen C1843292, MONDO:0957307, OMIM 620415.
Lethal acantholytic epidermolysis bullosa (EBLA). Identifiers: Orphanet 158687, MedGen C1864826, MONDO:0012323, OMIM 609638.
Arrhythmogenic right ventricular dysplasia 8 (ARVD8). Also called: Arrhythmogenic Right Ventricular Dysplasia/Cardiomyopathy 8; ARRHYTHMOGENIC RIGHT VENTRICULAR DYSPLASIA, FAMILIAL, 8; ARRHYTHMOGENIC RIGHT VENTRICULAR CARDIOMYOPATHY 8. Identifiers: MedGen C1843896, MONDO:0011831, OMIM 607450.
Keratosis palmoplantaris striata 2. Also called: KERATODERMA, PALMOPLANTAR, STRIATE FORM II; STRIATE PALMOPLANTAR KERATODERMA II; Keratosis palmoplantaris striata II. Identifiers: MedGen C1852127, MONDO:0013034, OMIM 612908.
Cardiomyopathy, dilated, with wooly hair, keratoderma, and tooth agenesis. Also called: Erythrokeratodermia-cardiomyopathy syndrome; Cardiomyopathy, dilated, with woolly hair, keratoderma, and tooth agenesis. Identifiers: Orphanet 476096, Orphanet 65282, MedGen C4014393, MONDO:0014355, OMIM 615821.
Arrhythmogenic cardiomyopathy with wooly hair and keratoderma. Also called: Carvajal syndrome; Dilated cardiomyopathy with woolly hair and keratoderma; Arrhythmogenic cardiomyopathy with woolly hair and keratoderma; PALMOPLANTAR KERATODERMA WITH LEFT VENTRICULAR CARDIOMYOPATHY AND WOOLLY HAIR. Identifiers: Orphanet 65282, MedGen C1854063, MONDO:0011581, OMIM 605676.

Allele frequency attached by ClinVar (database versions not stated): ExAC 0.00008; gnomAD 0.00008 and 0.00009; gnomAD exomes 0.00009; ESP Exome Variant Server 0.00023; TOPMed 0.00007.
gnomAD v4.1: 63 of 1,613,764 alleles (0.0039%); highest among the groups gnomAD compares: East Asian, 0.051%; no homozygotes.

Submissions (10):

Labcorp Genetics (formerly Invitae), Labcorp
Classification: Benign for Arrhythmogenic cardiomyopathy with wooly hair and keratoderma; Arrhythmogenic right ventricular dysplasia 8. Last evaluated: 2025-12-08. Review status: criteria provided, single submitter. Criteria: Invitae Variant Classification Sherloc (09022015). Collection method: clinical testing. Allele origin: germline.

Molecular Diagnostic Laboratory for Inherited Cardiovascular Disease, Montreal Heart Institute
Classification: Likely benign. Last evaluated: 2025-02-17. Review status: criteria provided, single submitter. Criteria: ACMG Guidelines, 2015. Collection method: clinical testing. Allele origin: germline. Affected: no.
Comment: BS1;BP4

Blueprint Genetics
Classification: Uncertain significance. Last evaluated: 2024-11-25. Review status: criteria provided, single submitter. Criteria: ACMG Guidelines, 2015. Collection method: clinical testing. Allele origin: germline.

GeneDx
Classification: Uncertain significance. Last evaluated: 2024-05-28. Review status: criteria provided, single submitter. Criteria: GeneDx Variant Classification Process June 2021. Collection method: clinical testing. Allele origin: germline. Affected: yes.
Comment: In silico analysis supports that this missense variant has a deleterious effect on protein structure/function; This variant is associated with the following publications: (PMID: 21636032, 32942234, 37652022, 31983221)

Fulgent Genetics
Classification: Uncertain significance for Arrhythmogenic cardiomyopathy with wooly hair and keratoderma; Arrhythmogenic right ventricular dysplasia 8; Lethal acantholytic epidermolysis bullosa; Keratosis palmoplantaris striata 2; Cardiomyopathy, dilated, with wooly hair, keratoderma, and tooth agenesis. Last evaluated: 2024-03-01. Review status: criteria provided, single submitter. Criteria: ACMG Guidelines, 2015. Collection method: clinical testing. Allele origin: germline.

Ambry Genetics
Classification: Likely benign for Cardiovascular phenotype. Last evaluated: 2022-12-09. Review status: criteria provided, single submitter. Criteria: Ambry Variant Classification Scheme 2023. Collection method: clinical testing. Allele origin: germline.

Color Diagnostics, LLC DBA Color Health
Classification: Likely benign for Cardiomyopathy. Last evaluated: 2020-03-05. Review status: criteria provided, single submitter. Criteria: ACMG Guidelines, 2015. Collection method: clinical testing. Allele origin: germline.

Illumina Laboratory Services, Illumina
Classification: Uncertain significance for Lethal acantholytic epidermolysis bullosa. Last evaluated: 2018-01-13. Review status: criteria provided, single submitter. Criteria: ICSL Variant Classification Criteria 13 December 2019. Collection method: clinical testing. Allele origin: germline.

Illumina Laboratory Services, Illumina
Classification: Uncertain significance for Arrhythmogenic cardiomyopathy with wooly hair and keratoderma. Last evaluated: 2018-01-13. Review status: criteria provided, single submitter. Criteria: ICSL Variant Classification Criteria 13 December 2019. Collection method: clinical testing. Allele origin: germline.

Illumina Laboratory Services, Illumina
Classification: Uncertain significance for Arrhythmogenic right ventricular dysplasia 8. Last evaluated: 2018-01-13. Review status: criteria provided, single submitter. Criteria: ICSL Variant Classification Criteria 13 December 2019. Collection method: clinical testing. Allele origin: germline.

Literature cited by the submitters: PubMed 21636032 (cited by Ambry Genetics); PubMed 31983221 (cited by Ambry Genetics); PubMed 32942234 (cited by Ambry Genetics).

NM_004415.4(DSP):c.5617C>T (p.Arg1873Cys)

Gene: DSP (desmoplakin; plus strand). Cytogenetic location: 6p24.3.
Variant type: single nucleotide variant.
Coding change: c.5617C>T on transcript NM_004415.4 (MANE Select); coding-DNA position 5617, C replaced by T.
Protein change: p.Arg1873Cys; replaces arginine 1873 with cysteine.
Molecular consequence: missense variant.
Genome position (GRCh38, 1-based): chr6:7,582,879, C>T. VCF-style: chr6-7582879-C-T. GRCh37 (hg19) VCF-style: chr6-7583112-C-T.
Other names: c.3820C>T, p.Arg1274Cys (NM_001008844.3); c.4288C>T, p.Arg1430Cys (NM_001319034.2); c.5617C>T (NM_004415.3, LRG_423t1); short protein forms R1873C, R1274C, R1430C.
Identifiers: ClinVar variation 222581 (VCV000222581.24), dbSNP rs144392839, ClinGen allele CA045373.